The following is an entry in ClinVar:

ClinVar aggregate classification (germline): Conflicting classifications of pathogenicity. Review status: criteria provided, conflicting classifications (1 of 4 stars). 2 submissions from 2 submitters: Uncertain significance (1); Likely benign (1). Last evaluated 2021-08-27.

Conditions:
Surfactant metabolism dysfunction, pulmonary, 4 (SMDP4). Also called: PAP DUE TO CSF2RA DEFICIENCY; PULMONARY ALVEOLAR PROTEINOSIS, CONGENITAL, 4; CSF2RA DEFICIENCY. Identifiers: Orphanet 264675, MedGen C2677877, MONDO:0010424, OMIM 300770.

Allele frequency attached by ClinVar (database versions not stated): gnomAD exomes below 0.00001 and 0.00001; ExAC 0.00001; gnomAD 0.00001; TOPMed 0.00001.

Submissions (2):

Labcorp Genetics (formerly Invitae), Labcorp
Classification: Uncertain significance for Surfactant metabolism dysfunction, pulmonary, 4. Last evaluated: 2021-08-27. Review status: criteria provided, single submitter. Criteria: Invitae Variant Classification Sherloc (09022015). Collection method: clinical testing. Allele origin: germline.
Comment: This sequence change replaces isoleucine with leucine at codon 201 of the CSF2RA protein (p.Ile201Leu). The isoleucine residue is weakly conserved and there is a small physicochemical difference between isoleucine and leucine. This variant is present in population databases (no rsID available, ExAC 0.006%). This variant has not been reported in the literature in individuals affected with CSF2RA-related conditions. Algorithms developed to predict the effect of missense changes on protein structure and function are either unavailable or do not agree on the potential impact of this missense change (SIFT: "Tolerated"; PolyPhen-2: "Not Available"; Align-GVGD: "Class C0"). In summary, the available evidence is currently insufficient to determine the role of this variant in disease. Therefore, it has been classified as a Variant of Uncertain Significance.

Blueprint Genetics
Classification: Likely benign. Last evaluated: 2019-05-07. Review status: criteria provided, single submitter. Criteria: ACMG Guidelines, 2015. Collection method: clinical testing. Allele origin: germline.

NM_172245.4(CSF2RA):c.601A>C (p.Ile201Leu)

Gene: CSF2RA (colony stimulating factor 2 receptor subunit alpha; plus strand). Cytogenetic location: Xp22.33.
Variant type: single nucleotide variant.
Coding change: c.601A>C on transcript NM_172245.4 (MANE Select); coding-DNA position 601, A replaced by C.
Protein change: p.Ile201Leu; replaces isoleucine 201 with leucine.
Molecular consequence: missense variant. On other transcripts: non-coding transcript variant (1).
Genome position (GRCh38, 1-based): chrX:1,290,464, A>C. VCF-style: chrX-1290464-A-C. GRCh37 (hg19) VCF-style: chrX-1409357-A-C.
Other names: c.601A>C, p.Ile201Leu (NM_001161529.2, NM_001161530.2, NM_001161531.2 and 20 more transcripts); c.202A>C, p.Ile68Leu (NM_001161532.2); short protein forms I201L, I68L.
Identifiers: ClinVar variation 855028 (VCV000855028.8), dbSNP rs762080666, ClinGen allele CA10330877.